The following is an entry in ClinVar:

NM_001370466.1(NOD2):c.448C>G (p.Pro150Ala)

Gene: NOD2 (nucleotide binding oligomerization domain containing 2; plus strand). Cytogenetic location: 16q12.1.
Variant type: single nucleotide variant.
Coding change: c.448C>G on transcript NM_001370466.1 (MANE Select); coding-DNA position 448, C replaced by G.
Protein change: p.Pro150Ala; replaces proline 150 with alanine.
Molecular consequence: missense variant. On other transcripts: non-coding transcript variant (1).
Genome position (GRCh38, 1-based): chr16:50,699,943, C>G. VCF-style: chr16-50699943-C-G. GRCh37 (hg19) VCF-style: chr16-50733854-C-G.
Other names: c.448C>G, p.Pro150Ala (NM_001293557.2); c.529C>G, p.Pro177Ala (NM_022162.3); short protein forms P177A, P150A.
Identifiers: ClinVar variation 1374340 (VCV001374340.6), dbSNP rs1356803976, ClinGen allele CA395866998.
Genomic context (GRCh38, chr16:50,699,943, plus strand): 5'-TGGGAGCGGGGTTTCGTCAGCCAGTATGAATGTGATGAAATCAGGTTGCCGATCTTCACA[C>G]CGTCCCAGAGGGTGAGGCACTCCTGGTGTGCATCACAGAGTTCTCAGGAAAGGGGTGCTT-3'
Protein context (NP_001357395.1, residues 140-160): CDEIRLPIFT[Pro150Ala]SQRARRLLDL

ClinVar aggregate classification (germline): Uncertain significance (1 of 4 stars; one submission).

Conditions:
Regional enteritis. Also called: Enteritis, Granulomatous. Identifiers: MedGen C0678202, MeSH D003424.
Blau syndrome (BLAUS). Also called: GRANULOMATOSIS, FAMILIAL JUVENILE SYSTEMIC; GRANULOMATOSIS, FAMILIAL, BLAU TYPE; GRANULOMATOUS INFLAMMATORY ARTHRITIS, DERMATITIS, AND UVEITIS, FAMILIAL; JABS SYNDROME; ARTHROCUTANEOUVEAL GRANULOMATOSIS. Identifiers: Orphanet 90340, MedGen C5201146, MONDO:0008523, OMIM 186580.

Allele frequency attached by ClinVar (database versions not stated): gnomAD exomes below 0.00001.
gnomAD v4.1: 25 of 1,607,542 alleles (0.0016%); highest among the groups gnomAD compares: Non-Finnish European, 0.0019%; no homozygotes.

Submission:

Labcorp Genetics (formerly Invitae), Labcorp
Classification: Uncertain significance for Regional enteritis; Blau syndrome. Last evaluated: 2023-08-08. Review status: criteria provided, single submitter. Criteria: Invitae Variant Classification Sherloc (09022015). Collection method: clinical testing. Allele origin: germline.
Comment: This variant is present in population databases (no rsID available, gnomAD 0.006%). This variant has not been reported in the literature in individuals affected with NOD2-related conditions. ClinVar contains an entry for this variant (Variation ID: 1374340). Advanced modeling of protein sequence and biophysical properties (such as structural, functional, and spatial information, amino acid conservation, physicochemical variation, residue mobility, and thermodynamic stability) performed at Invitae indicates that this missense variant is not expected to disrupt NOD2 protein function. In summary, the available evidence is currently insufficient to determine the role of this variant in disease. Therefore, it has been classified as a Variant of Uncertain Significance. This sequence change replaces proline, which is neutral and non-polar, with alanine, which is neutral and non-polar, at codon 177 of the NOD2 protein (p.Pro177Ala).